The following is an entry in ClinVar:

NM_020975.6(RET):c.3229C>G (p.Leu1077Val)

Gene: RET (ret proto-oncogene; plus strand). Cytogenetic location: 10q11.21.
Variant type: single nucleotide variant.
Coding change: c.3229C>G on transcript NM_020975.6 (MANE Select); coding-DNA position 3229, C replaced by G.
Protein change: p.Leu1077Val; replaces leucine 1077 with valine.
Molecular consequence: missense variant. On other transcripts: 3 prime UTR variant (18), intron variant (3).
Genome position (GRCh38, 1-based): chr10:43,128,153, C>G. VCF-style: chr10-43128153-C-G. GRCh37 (hg19) VCF-style: chr10-43623601-C-G.
Other names: c.2044C>G, p.Leu682Val (NM_001406789.1, NM_001406788.1); c.*1399C>G (NM_001406790.1, NM_001406791.1, NM_001406794.1 and 15 more transcripts); c.1780C>G, p.Leu594Val (NM_001406792.1); c.1720C>G, p.Leu574Val (NM_001406793.1); c.3188-1365C>G (NM_001406744.1); c.2291-1365C>G (NM_001406781.1); c.2941C>G, p.Leu981Val (NM_001406766.1, NM_001406767.1); c.2833C>G, p.Leu945Val (NM_001406769.1); and 10 more; short protein forms L1032V, L1034V, L1057V, L1077V, L574V, L594V, L682V, L735V.
Identifiers: ClinVar variation 4863245 (VCV004863245.1).

ClinVar aggregate classification (germline): Uncertain significance (1 of 4 stars; one submission).

Conditions:
Hereditary cancer-predisposing syndrome. Also called: Neoplastic Syndromes, Hereditary; Tumor predisposition; Hereditary Cancer Syndrome; Hereditary neoplastic syndrome. Identifiers: Orphanet 140162, MedGen C0027672, MeSH D009386, MONDO:0015356.

Submission:

Ambry Genetics
Classification: Uncertain significance for Hereditary cancer-predisposing syndrome. Last evaluated: 2026-03-17. Review status: criteria provided, single submitter. Criteria: Ambry Variant Classification Scheme 2023. Collection method: clinical testing. Allele origin: germline.
Comment: The p.L1077V variant (also known as c.3229C>G), located in coding exon 20 of the RET gene, results from a C to G substitution at nucleotide position 3229. The leucine at codon 1077 is replaced by valine, an amino acid with highly similar properties. This amino acid position is conserved. In addition, the in silico prediction for this alteration is inconclusive. Based on the available evidence, the clinical significance of this variant remains unclear.